The following is an entry in ClinVar:

ClinVar aggregate classification (germline): Conflicting classifications of pathogenicity. Review status: criteria provided, conflicting classifications (1 of 4 stars). 2 submissions from 2 submitters: Uncertain significance (1); Likely benign (1). Last evaluated 2025-02-22.

Conditions:
Inborn genetic diseases. Identifiers: MedGen C0950123, MeSH D030342.

gnomAD v4.1: 2 of 1,614,150 alleles (0.00012%); highest among the groups gnomAD compares: Non-Finnish European, 0.00017%; no homozygotes.

Submissions (2):

Ambry Genetics
Classification: Likely benign for Inborn genetic diseases. Last evaluated: 2025-02-22. Review status: criteria provided, single submitter. Criteria: Ambry Variant Classification Scheme 2023. Collection method: clinical testing. Allele origin: germline.

GeneDx
Classification: Uncertain significance. Last evaluated: 2024-11-07. Review status: criteria provided, single submitter. Criteria: GeneDx Variant Classification Process June 2021. Collection method: clinical testing. Allele origin: germline. Affected: yes.
Comment: In silico analysis supports that this missense variant has a deleterious effect on protein structure/function; Has not been previously published as pathogenic or benign to our knowledge

NM_015338.6(ASXL1):c.403T>C (p.Ser135Pro)

Gene: ASXL1 (ASXL transcriptional regulator 1; plus strand). Cytogenetic location: 20q11.21.
Variant type: single nucleotide variant.
Coding change: c.403T>C on transcript NM_015338.6 (MANE Select); coding-DNA position 403, T replaced by C.
Protein change: p.Ser135Pro; replaces serine 135 with proline.
Molecular consequence: missense variant.
Genome position (GRCh38, 1-based): chr20:32,428,354, T>C. VCF-style: chr20-32428354-T-C. GRCh37 (hg19) VCF-style: chr20-31016157-T-C.
Other names: c.373T>C, p.Ser125Pro (NM_001363734.1); short protein forms S125P, S135P.
Identifiers: ClinVar variation 3793751 (VCV003793751.2).